The following is an entry in ClinVar:

ClinVar aggregate classification (germline): Benign (3 of 4 stars; one submission).

Conditions:
Breast-ovarian cancer, familial, susceptibility to, 1 (BROVCA1). Also called: BRCA1 Hereditary Breast and Ovarian Cancer; OVARIAN CANCER, SUSCEPTIBILITY TO. Identifiers: Orphanet 145, MedGen C2676676, MONDO:0011450, OMIM 604370. Disease mechanism: loss of function.

Allele frequency attached by ClinVar (database versions not stated): gnomAD 0.03631 and 0.03903; TOPMed 0.04231; 1000 Genomes Project 0.04253; 1000 Genomes Project 30x 0.04591.
gnomAD v4.1: 5,466 of 151,588 alleles (3.6%); highest among the groups gnomAD compares: African/African-American, 12%; 329 homozygotes.

Submission:

Evidence-based Network for the Interpretation of Germline Mutant Alleles (ENIGMA)
Classification: Benign for Breast-ovarian cancer, familial 1. Last evaluated: 2015-01-12. Review status: reviewed by expert panel. Criteria: ENIGMA BRCA1/2 Classification Criteria (2015). Collection method: curation. Allele origin: germline.
Comment: Class 1 not pathogenic based on frequency >1% in an outbred sampleset. Frequency 0.1484 (African), derived from 1000 genomes (2012-04-30).

NM_007294.4(BRCA1):c.80+2786G>A

Gene: BRCA1 (BRCA1 DNA repair associated; minus strand). Cytogenetic location: 17q21.31.
Variant type: single nucleotide variant.
Coding change: c.80+2786G>A on transcript NM_007294.4 (MANE Select); 2786 bases into the intron after coding-DNA position 80, G replaced by A.
Molecular consequence: intron variant.
Genome position (GRCh38, 1-based): chr17:43,121,231, C>T on the plus strand (G>A on the coding strand, the complement: BRCA1 is on the minus strand). VCF-style: chr17-43121231-C-T. GRCh37 (hg19) VCF-style: chr17-41273248-C-T.
Other names: IVS 2+2786G>A; c.-109+2786G>A (NM_001407946.1, NM_001408489.1, NM_001408479.1 and 46 more transcripts); c.80+2786G>A (NM_001407646.1, NM_001408445.1, NM_001408432.1 and 192 more transcripts); c.-340+2786G>A (NM_001407965.1); c.-178+2786G>A (NM_001407930.1, NM_001407843.1, NM_001408456.1 and 11 more transcripts); c.-182+2786G>A (NM_001408465.1, NM_001407695.1); c.-253-1966G>A (NM_001408482.1); c.-206-1966G>A (NM_001407920.1, NM_001407697.1, NM_001407846.1); and 23 more.
Identifiers: ClinVar variation 209560 (VCV000209560.2), dbSNP rs142831199, ClinGen allele CA276529.